The following is an entry in ClinVar:

NM_001242896.3(DEPDC5):c.4501_4502dup (p.Gln1501fs)

Gene: DEPDC5 (DEP domain containing 5, GATOR1 subcomplex subunit; plus strand). Cytogenetic location: 22q12.3.
Variant type: Duplication.
Coding change: c.4501_4502dup on transcript NM_001242896.3 (MANE Select); coding-DNA positions 4501 to 4502, 2 bases duplicated (CA; older notation c.4501_4502dupCA).
Protein change: p.Gln1501fs; shifts the reading frame from glutamine 1501.
Molecular consequence: frameshift variant. On other transcripts: non-coding transcript variant (5).
Genome position (GRCh38, 1-based): chr22:31,906,048-31,906,049, CA duplicated. VCF-style (leftmost placement, unchanged base first): chr22-31906047-T-TCA. GRCh37 (hg19) VCF-style: chr22-32302033-T-TCA.
Other names: c.4474_4475dup, p.Gln1492fs (NM_001136029.4); c.4201_4202dup, p.Gln1401fs (NM_001242897.2); c.4435_4436dup, p.Gln1479fs (NM_001363852.2, NM_001364320.2); c.4267_4268dup, p.Gln1423fs (NM_001363854.2, NM_001364319.2); c.4501_4502dup, p.Gln1501fs (NM_001364318.2); c.4417_4418dup, p.Gln1473fs (NM_001369901.1, NM_001369902.1); c.4408_4409dup, p.Gln1470fs (NM_001369903.1, NM_014662.6); short protein forms Q1473fs, Q1401fs, Q1492fs, Q1501fs, Q1470fs, Q1479fs, Q1423fs.
Identifiers: ClinVar variation 572846 (VCV000572846.10), dbSNP rs1569254004, ClinGen allele CA891844542.

ClinVar aggregate classification (germline): Pathogenic (1 of 4 stars; one submission).

Conditions:
Familial focal epilepsy with variable foci (FPEVF). Identifiers: Orphanet 98820, MedGen C1858477, MONDO:0020310.

Submission:

Labcorp Genetics (formerly Invitae), Labcorp
Classification: Pathogenic for Familial focal epilepsy with variable foci. Last evaluated: 2018-02-07. Review status: criteria provided, single submitter. Criteria: Invitae Variant Classification Sherloc (09022015). Collection method: clinical testing. Allele origin: germline.
Comment: Loss-of-function variants in DEPDC5 are known to be pathogenic (PMID: 23542697, 23542701). For these reasons, this variant has been classified as Pathogenic. Different truncations (p.Gln1523* and p.Gln1536*) that lie downstream of this variant have been determined to be pathogenic (PMID: PMID: 23542701, 25366275, 23542697). This suggests that deletion of this region of the DEPDC5 protein is causative of disease. This variant has not been reported in the literature in individuals with DEPDC5-related disease. This variant is not present in population databases (ExAC no frequency). This sequence change results in a premature translational stop signal in the DEPDC5 gene (p.Gln1501Hisfs*74). While this is not anticipated to result in nonsense mediated decay, it is expected to disrupt the last 103 amino acids of the DEPDC5 protein.

Literature cited by the submitters: PubMed 23542697; PubMed 23542701; PubMed 25366275.